The following is an entry in ClinVar:

ClinVar aggregate classification (germline): Uncertain significance (1 of 4 stars; one submission).

Submission:

Labcorp Genetics (formerly Invitae), Labcorp
Classification: Uncertain significance. Last evaluated: 2022-07-19. Review status: criteria provided, single submitter. Criteria: Invitae Variant Classification Sherloc (09022015). Collection method: clinical testing. Allele origin: germline.
Comment: This sequence change replaces leucine, which is neutral and non-polar, with proline, which is neutral and non-polar, at codon 811 of the CEP250 protein (p.Leu811Pro). This variant is not present in population databases (gnomAD no frequency). In summary, the available evidence is currently insufficient to determine the role of this variant in disease. Therefore, it has been classified as a Variant of Uncertain Significance. Algorithms developed to predict the effect of missense changes on protein structure and function are either unavailable or do not agree on the potential impact of this missense change (SIFT: "Not Available"; PolyPhen-2: "Probably Damaging"; Align-GVGD: "Not Available"). ClinVar contains an entry for this variant (Variation ID: 1489596). This variant has not been reported in the literature in individuals affected with CEP250-related conditions.

NM_007186.6(CEP250):c.2432T>C (p.Leu811Pro)

Genes: CEP250 (centrosomal protein 250; plus strand), CEP250-AS1 (CEP250 antisense RNA 1; minus strand). Cytogenetic location: 20q11.22.
Variant type: single nucleotide variant.
Coding change: c.2432T>C on transcript NM_007186.6 (MANE Select); coding-DNA position 2432, T replaced by C.
Protein change: p.Leu811Pro; replaces leucine 811 with proline.
Molecular consequence: missense variant.
Genome position (GRCh38, 1-based): chr20:35,479,991, T>C. VCF-style: chr20-35479991-T-C. GRCh37 (hg19) VCF-style: chr20-34067816-T-C.
Other names: c.536T>C, p.Leu179Pro (NM_001318219.1); short protein forms L811P, L179P.
Identifiers: ClinVar variation 1489596 (VCV001489596.8), dbSNP rs2146887824, ClinGen allele CA408769682.